The following is an entry in ClinVar:

ClinVar aggregate classification (germline): Uncertain significance. Review status: criteria provided, multiple submitters, no conflicts (2 of 4 stars). 2 submissions from 2 submitters: Uncertain significance (2). Last evaluated 2025-08-22.

Conditions:
Inborn genetic diseases. Identifiers: MedGen C0950123, MeSH D030342.
Agammaglobulinemia 4, autosomal recessive (AGM4). Also called: B cell linker protein deficiency; AGAMMAGLOBULINEMIA, AUTOSOMAL RECESSIVE, DUE TO BLNK DEFECT. Identifiers: MedGen C3150752, MONDO:0013289, OMIM 613502.

Allele frequency attached by ClinVar (database versions not stated): ExAC 0.00001; gnomAD 0.00002 and 0.00003; gnomAD exomes 0.00002; TOPMed 0.00003.
gnomAD v4.1: 31 of 1,613,918 alleles (0.0019%); highest among the groups gnomAD compares: African/African-American, 0.0053%; no homozygotes.

Submissions (2):

Ambry Genetics
Classification: Uncertain significance for Inborn genetic diseases. Last evaluated: 2025-08-22. Review status: criteria provided, single submitter. Criteria: Ambry Variant Classification Scheme 2023. Collection method: clinical testing. Allele origin: germline.

Labcorp Genetics (formerly Invitae), Labcorp
Classification: Uncertain significance for Agammaglobulinemia 4, autosomal recessive. Last evaluated: 2018-11-06. Review status: criteria provided, single submitter. Criteria: Invitae Variant Classification Sherloc (09022015). Collection method: clinical testing. Allele origin: germline.
Comment: This sequence change replaces arginine with glutamine at codon 282 of the BLNK protein (p.Arg282Gln). The arginine residue is highly conserved and there is a small physicochemical difference between arginine and glutamine. The frequency data for this variant in the population databases is considered unreliable, as metrics indicate poor data quality at this position in the ExAC database. This variant has not been reported in the literature in individuals with BLNK-related disease. Algorithms developed to predict the effect of missense changes on protein structure and function are either unavailable or do not agree on the potential impact of this missense change (SIFT: "Deleterious"; PolyPhen-2: "Probably Damaging"; Align-GVGD: "Class C0"). In summary, the available evidence is currently insufficient to determine the role of this variant in disease. Therefore, it has been classified as a Variant of Uncertain Significance.

NM_013314.4(BLNK):c.845G>A (p.Arg282Gln)

Genes: BLNK (B cell linker; minus strand), ZNF518A (zinc finger protein 518A; plus strand). Cytogenetic location: 10q24.1.
Variant type: single nucleotide variant.
Coding change: c.845G>A on transcript NM_013314.4 (MANE Select); coding-DNA position 845, G replaced by A.
Protein change: p.Arg282Gln; replaces arginine 282 with glutamine.
Molecular consequence: missense variant. On other transcripts: non-coding transcript variant (5).
Genome position (GRCh38, 1-based): chr10:96,204,589, C>T on the plus strand (G>A on the coding strand, the complement: BLNK is on the minus strand). VCF-style: chr10-96204589-C-T. GRCh37 (hg19) VCF-style: chr10-97964345-C-T.
Other names: c.776G>A, p.Arg259Gln (NM_001114094.2, NM_001258441.2); c.845G>A, p.Arg282Gln (NM_001258440.2); c.530G>A, p.Arg177Gln (NM_001258442.2); short protein forms R177Q, R282Q, R259Q.
Identifiers: ClinVar variation 639984 (VCV000639984.4), dbSNP rs782231780, ClinGen allele CA5623283.
Genomic context (GRCh38, chr10:96,204,589, plus strand): 5'-TACTTCTGGGCAGGAGGAAACACTGGTGACTGCACAGCTTCTTGTCTGTGACTTGACCCT[C>T]GGTGGCGTTCAGCAGGTATAGGTTTTTCTGGATCAGGAAAATTATCATATTAGGATTAGA-3'
Protein context (NP_037446.1, residues 272-292): EEKPIPAERH[Arg282Gln]GSSHRQEAVQ